The following is an entry in ClinVar:

ClinVar aggregate classification (germline): Pathogenic (1 of 4 stars; one submission).

Submission:

Labcorp Genetics (formerly Invitae), Labcorp
Classification: Pathogenic. Last evaluated: 2020-08-27. Review status: criteria provided, single submitter. Criteria: Invitae Variant Classification Sherloc (09022015). Collection method: clinical testing. Allele origin: germline.
Comment: This sequence change creates a premature translational stop signal (p.Gln246*) in the FH gene. It is expected to result in an absent or disrupted protein product. For these reasons, this variant has been classified as Pathogenic. Loss-of-function variants in FH are known to be pathogenic (PMID: 11865300, 21398687). Algorithms developed to predict the effect of sequence changes on RNA splicing suggest that this variant may create or strengthen a splice site, but this prediction has not been confirmed by published transcriptional studies. This variant has not been reported in the literature in individuals with FH-related conditions. This variant is not present in population databases (ExAC no frequency).

Literature cited by the submitters: PubMed 11865300; PubMed 21398687.

NM_000143.4(FH):c.735_736delinsTT (p.Gln246Ter)

Gene: FH (fumarate hydratase; minus strand). Cytogenetic location: 1q43.
Variant type: Indel.
Coding change: c.735_736delinsTT on transcript NM_000143.4 (MANE Select); coding-DNA positions 735 to 736, GC replaced by TT.
Protein change: p.Gln246Ter; replaces glutamine 246 with a stop codon.
Molecular consequence: nonsense.
Genome position (GRCh38, 1-based): chr1:241,508,605-241,508,606, GC replaced by AA on the plus strand (GC replaced by TT on the coding strand, the reverse complement: FH is on the minus strand). VCF-style: chr1-241508605-GC-AA. GRCh37 (hg19) VCF-style: chr1-241671905-GC-AA.
Other names: short protein forms Q246*.
Identifiers: ClinVar variation 1070254 (VCV001070254.7), dbSNP rs2147919380, ClinGen allele CA2499214635.
Genomic context (GRCh38, chr1:241,508,605, plus strand): 5'-ACACATTGGCCATTTGTACCAAGCTCTAAATTGAATCAAATTAGTCAAACTCCTATACCT[GC>AA]CCAAGAGTAAGTGGAACAGCATCCTGAGTATGAGTACGTCCAATCTTGATGATCTGTGCA-3'